The following is an entry in ClinVar:

NM_000492.4(CFTR):c.3546C>G (p.Tyr1182Ter)

Genes: CFTR-AS2 (CFTR antisense RNA 2; minus strand), CFTR (CF transmembrane conductance regulator; plus strand). Cytogenetic location: 7q31.2.
Variant type: single nucleotide variant.
Coding change: c.3546C>G on transcript NM_000492.4 (MANE Select); coding-DNA position 3546, C replaced by G.
Protein change: p.Tyr1182Ter; replaces tyrosine 1182 with a stop codon.
Molecular consequence: nonsense.
Genome position (GRCh38, 1-based): chr7:117,627,599, C>G. VCF-style: chr7-117627599-C-G. GRCh37 (hg19) VCF-style: chr7-117267653-C-G.
Other names: short protein forms Y1182*.
Identifiers: ClinVar variation 53770 (VCV000053770.10), dbSNP rs397508581, ClinGen allele CA327228.
Genomic context (GRCh38, chr7:117,627,599, plus strand): 5'-AGTCTTTAAGTTCATTGACATGCCAACAGAAGGTAAACCTACCAAGTCAACCAAACCATA[C>G]AAGAATGGCCAACTCTCGAAAGTTATGATTATTGAGAATTCACACGTGAAGAAAGATGAC-3'

ClinVar aggregate classification (germline): Pathogenic/Likely pathogenic. Review status: criteria provided, multiple submitters, no conflicts (2 of 4 stars). 3 submissions from 3 submitters: Pathogenic (2); Likely pathogenic (1). Last evaluated 2022-01-06.

Conditions:
Cystic fibrosis (CF). Also called: MUCOVISCIDOSIS. Identifiers: Orphanet 586, MedGen C0010674, MONDO:0009061, OMIM 219700. Disease mechanism: loss of function.

gnomAD v4.1: 2 of 1,613,376 alleles (0.00012%); highest among the groups gnomAD compares: South Asian, 0.0011%; no homozygotes.

Submissions (3):

Labcorp Genetics (formerly Invitae), Labcorp
Classification: Pathogenic for Cystic fibrosis. Last evaluated: 2022-01-06. Review status: criteria provided, single submitter. Criteria: Invitae Variant Classification Sherloc (09022015). Collection method: clinical testing. Allele origin: germline.
Comment: For these reasons, this variant has been classified as Pathogenic. ClinVar contains an entry for this variant (Variation ID: 53770). This premature translational stop signal has been observed in individual(s) with cystic fibrosis (PMID: 18499536). This variant is not present in population databases (gnomAD no frequency). This sequence change creates a premature translational stop signal (p.Tyr1182*) in the CFTR gene. It is expected to result in an absent or disrupted protein product. Loss-of-function variants in CFTR are known to be pathogenic (PMID: 1695717, 7691345, 9725922).

Ambry Genetics
Classification: Pathogenic for Cystic fibrosis. Last evaluated: 2018-09-06. Review status: criteria provided, single submitter. Criteria: Ambry Variant Classification Scheme 2023. Collection method: clinical testing. Allele origin: germline.
Comment: The p.Y1182* pathogenic mutation (also known as c.3546C>G), located in coding exon 22 of the CFTR gene, results from a C to G substitution at nucleotide position 3546. This changes the amino acid from a tyrosine to a stop codon within coding exon 22. This alteration is expected to result in loss of function by premature protein truncation or nonsense-mediated mRNA decay. As such, this alteration is interpreted as a disease-causing mutation.

Women's Health and Genetics/Laboratory Corporation of America, LabCorp
Classification: Likely pathogenic. Last evaluated: 2017-11-22. Review status: criteria provided, single submitter. Criteria: LabCorp Variant Classification Summary - May 2015. Collection method: clinical testing. Allele origin: germline.
Comment: Variant summary: The CFTR c.3546C>G (p.Tyr1182X) variant results in a premature termination codon, predicted to cause a truncated or absent CFTR protein due to nonsense mediated decay, which are commonly known mechanisms for disease. Truncations downstream of this position have been classified as pathogenic by our laboratory (e.g.c.3744delA/p.Lys1250fsX9, c.3761T>G/p.Leu1254X). This variant is absent from 245476 control chromosomes of gnomAD dataset but was identified in several patients, presented with Classical CF. Taken together, this variant is classified as Likely Pathogenic.

Literature cited by the submitters: PubMed 18499536 (cited by Labcorp Genetics (formerly Invitae), Labcorp and Women's Health and Genetics/Laboratory Corporation of America, LabCorp); PubMed 1695717 (cited by Labcorp Genetics (formerly Invitae), Labcorp); PubMed 7691345 (cited by Labcorp Genetics (formerly Invitae), Labcorp); PubMed 9725922 (cited by Labcorp Genetics (formerly Invitae), Labcorp); PubMed 24440180 (cited by Women's Health and Genetics/Laboratory Corporation of America, LabCorp); PubMed 8889582 (cited by Women's Health and Genetics/Laboratory Corporation of America, LabCorp); PubMed 26385858 (cited by Women's Health and Genetics/Laboratory Corporation of America, LabCorp); PubMed 10862085 (cited by Women's Health and Genetics/Laboratory Corporation of America, LabCorp).